The following is an entry in ClinVar:

ClinVar aggregate classification (germline): Likely benign (1 of 4 stars; one submission).

gnomAD v4.1: 20 of 1,611,124 alleles (0.0012%); highest among the groups gnomAD compares: East Asian, 0.011%; no homozygotes.

Submission:

Mayo Clinic Laboratories, Mayo Clinic
Classification: Likely benign. Last evaluated: 2025-04-10. Review status: criteria provided, single submitter. Criteria: ACMG Guidelines, 2015. Collection method: clinical testing. Allele origin: germline. Observed: 1 variant allele.
Comment: BP4, BP7

NM_006420.3(ARFGEF2):c.2362-9T>A

Gene: ARFGEF2 (ARF guanine nucleotide exchange factor 2; plus strand). Cytogenetic location: 20q13.13.
Variant type: single nucleotide variant.
Coding change: c.2362-9T>A on transcript NM_006420.3 (MANE Select); 9 bases into the intron before coding-DNA position 2362, T replaced by A.
Molecular consequence: intron variant.
Genome position (GRCh38, 1-based): chr20:48,988,482, T>A. VCF-style: chr20-48988482-T-A. GRCh37 (hg19) VCF-style: chr20-47605019-T-A.
Other names: p.?; c.2359-9T>A (NM_001410846.1).
Identifiers: ClinVar variation 4684423 (VCV004684423.1).
Genomic context (GRCh38, chr20:48,988,482, plus strand): 5'-GCTAAATAAGTGGCTTTACTTGGGCAATTGGATGTTTTTTAAATGGTTTTTAATTTTTTT[T>A]AATTACAGGTAAAAAATAAAATGACGAAAGAGCAGTATATTAAAATGAATCGGGGTATCA-3'